The following is an entry in ClinVar:

NM_000548.5(TSC2):c.465C>T (p.Tyr155=)

Gene: TSC2 (TSC complex subunit 2; plus strand). Cytogenetic location: 16p13.3.
Variant type: single nucleotide variant.
Coding change: c.465C>T on transcript NM_000548.5 (MANE Select); coding-DNA position 465, C replaced by T.
Protein change: p.Tyr155=; no amino-acid change (tyrosine 155 retained).
Molecular consequence: synonymous variant. On other transcripts: intron variant (1).
Genome position (GRCh38, 1-based): chr16:2,054,424, C>T. VCF-style: chr16-2054424-C-T. GRCh37 (hg19) VCF-style: chr16-2104425-C-T.
Other names: p.Y155Y:TAC>TAT; c.465C>T (NM_000548.4); c.465C>T, p.Tyr155= (NM_001077183.3, NM_001114382.3, NM_001363528.2 and 3 more transcripts); c.354C>T, p.Tyr118= (NM_001318827.2); c.318C>T, p.Tyr106= (NM_001318829.2); c.498C>T, p.Tyr166= (NM_001318832.2); c.-1-1772C>T (NM_001318831.2).
Identifiers: ClinVar variation 65152 (VCV000065152.50), dbSNP rs45444196, ClinGen allele CA020832.

ClinVar aggregate classification (germline): Benign/Likely benign. Review status: criteria provided, multiple submitters, no conflicts (2 of 4 stars). 13 submissions from 13 submitters: Benign (6); Likely benign (6). 1 of the submissions does not count toward it. Last evaluated 2026-03-01.

Conditions:
Hereditary cancer-predisposing syndrome. Also called: Hereditary Cancer Syndrome; Tumor predisposition; Neoplastic Syndromes, Hereditary; Hereditary neoplastic syndrome. Identifiers: Orphanet 140162, MedGen C0027672, MeSH D009386, MONDO:0015356.
Tuberous sclerosis syndrome (TSC). Also called: Tuberous Sclerosis Complex; Tuberous sclerosis. Identifiers: Orphanet 805, MedGen C0041341, MONDO:0001734.
Tuberous sclerosis 2 (TSC2). Identifiers: Orphanet 805, MedGen C1860707, MONDO:0013199, OMIM 613254.

Allele frequency attached by ClinVar (database versions not stated): 1000 Genomes Project 0.00080; gnomAD 0.00004 and 0.00007; gnomAD exomes 0.00005 and 0.00006; TOPMed 0.00006; ExAC 0.00007; 1000 Genomes Project 30x 0.00062.
gnomAD v4.1: 96 of 1,614,220 alleles (0.0059%); highest among the groups gnomAD compares: Middle Eastern, 0.099%; 1 homozygote.

Submissions (13):

CeGaT Center for Human Genetics Tuebingen
Classification: Likely benign. Last evaluated: 2026-03-01. Review status: criteria provided, single submitter. Criteria: CeGaT Center For Human Genetics Tuebingen Variant Classification Criteria Version 2. Collection method: clinical testing. Allele origin: germline. Affected: yes. Observed: 4 variant alleles.
Comment: TSC2: BP4, BP7

Labcorp Genetics (formerly Invitae), Labcorp
Classification: Benign for Tuberous sclerosis 2. Last evaluated: 2026-01-31. Review status: criteria provided, single submitter. Criteria: Invitae Variant Classification Sherloc (09022015). Collection method: clinical testing. Allele origin: germline.

Quest Diagnostics Nichols Institute San Juan Capistrano
Classification: Benign. Last evaluated: 2025-10-22. Review status: criteria provided, single submitter. Criteria: Quest Diagnostics criteria. Collection method: clinical testing. Allele origin: unknown.

Myriad Genetics, Inc.
Classification: Benign for Tuberous sclerosis 2. Last evaluated: 2025-05-05. Review status: criteria provided, single submitter. Criteria: Myriad Autosomal Dominant, Autosomal Recessive and X-Linked Classification Criteria (2023). Collection method: clinical testing. Allele origin: unknown.
Comment: This variant is considered benign. This variant is a silent/synonymous amino acid change and it is not expected to impact splicing.

Blueprint Genetics
Classification: Likely benign. Last evaluated: 2024-11-27. Review status: criteria provided, single submitter. Criteria: ACMG Guidelines, 2015. Collection method: clinical testing. Allele origin: germline.

All of Us Research Program, National Institutes of Health
Classification: Likely benign for Tuberous sclerosis syndrome. Last evaluated: 2024-07-29. Review status: criteria provided, single submitter. Criteria: ACMG Guidelines, 2015. Collection method: clinical testing. Allele origin: germline. Inheritance: Autosomal dominant inheritance. Observed: 8 variant alleles, 8 heterozygotes.
Comment: This study involves interpretation of variants in research participants for the purpose of population health screening. Participant phenotype was not available at the time of variant classification. Additional details can be found in publication PMID: 35346344, PMCID: PMC8962531

KCCC/NGS Laboratory, Kuwait Cancer Control Center
Classification: Benign for Tuberous sclerosis 2. Last evaluated: 2023-07-07. Review status: criteria provided, single submitter. Criteria: ACMG Guidelines, 2015. Collection method: clinical testing. Allele origin: germline. Affected: yes.

Color Diagnostics, LLC DBA Color Health
Classification: Likely benign for Tuberous sclerosis syndrome. Last evaluated: 2022-09-12. Review status: criteria provided, single submitter. Criteria: ACMG Guidelines, 2015. Collection method: clinical testing. Allele origin: germline.

Genome-Nilou Lab
Classification: Benign for Tuberous sclerosis 2. Last evaluated: 2021-11-07. Review status: criteria provided, single submitter. Criteria: ACMG Guidelines, 2015. Collection method: clinical testing. Allele origin: germline. Affected: no.

Sema4
Classification: Likely benign for Hereditary cancer-predisposing syndrome. Last evaluated: 2021-07-07. Review status: criteria provided, single submitter. Criteria: Sema4 Curation Guidelines. Collection method: curation. Allele origin: germline.

Ambry Genetics
Classification: Likely benign for Hereditary cancer-predisposing syndrome. Last evaluated: 2019-03-28. Review status: criteria provided, single submitter. Criteria: Ambry Variant Classification Scheme 2023. Collection method: clinical testing. Allele origin: germline.

GeneDx
Classification: Benign. Last evaluated: 2014-11-22. Review status: criteria provided, single submitter. Criteria: GeneDx Variant Classification (06012015). Collection method: clinical testing. Allele origin: germline. Affected: yes.
Comment: This variant is considered likely benign or benign based on one or more of the following criteria: it is a conservative change, it occurs at a poorly conserved position in the protein, it is predicted to be benign by multiple in silico algorithms, and/or has population frequency not consistent with disease.

Tuberous sclerosis database (TSC2)
No classification provided. Condition: TSC. Review status: no classification provided. Criteria: Tuberous Sclerosis Database Assertion Criteria 2015. Collection method: curation. Allele origin: germline. Affected: yes. Not counted in ClinVar's aggregate classification.